The following is an entry in ClinVar:

NM_015474.4(SAMHD1):c.457G>A (p.Gly153Ser)

Gene: SAMHD1 (SAM and HD domain containing deoxynucleoside triphosphate triphosphohydrolase 1; minus strand). Cytogenetic location: 20q11.23.
Variant type: single nucleotide variant.
Coding change: c.457G>A on transcript NM_015474.4 (MANE Select); coding-DNA position 457, G replaced by A.
Protein change: p.Gly153Ser; replaces glycine 153 with serine.
Molecular consequence: missense variant.
Genome position (GRCh38, 1-based): chr20:36,935,081, C>T on the plus strand (G>A on the coding strand, the complement: SAMHD1 is on the minus strand). VCF-style: chr20-36935081-C-T. GRCh37 (hg19) VCF-style: chr20-35563484-C-T.
Other names: c.457G>A, p.Gly153Ser (NM_001363729.2, NM_001363733.2); short protein forms G153S.
Identifiers: ClinVar variation 2087819 (VCV002087819.4), dbSNP rs2515264108, ClinGen allele CA408823008.

ClinVar aggregate classification (germline): Uncertain significance (1 of 4 stars; one submission).

Conditions:
Aicardi-Goutieres syndrome 5. Identifiers: Orphanet 51, MedGen C2749659, MONDO:0013059, OMIM 612952.

Submission:

Labcorp Genetics (formerly Invitae), Labcorp
Classification: Uncertain significance for Aicardi-Goutieres syndrome 5. Last evaluated: 2022-02-04. Review status: criteria provided, single submitter. Criteria: Invitae Variant Classification Sherloc (09022015). Collection method: clinical testing. Allele origin: germline.
Comment: This sequence change replaces glycine, which is neutral and non-polar, with serine, which is neutral and polar, at codon 153 of the SAMHD1 protein (p.Gly153Ser). This variant is not present in population databases (gnomAD no frequency). This variant has not been reported in the literature in individuals affected with SAMHD1-related conditions. Algorithms developed to predict the effect of missense changes on protein structure and function output the following: SIFT: "Tolerated"; PolyPhen-2: "Benign"; Align-GVGD: "Class C0". The serine amino acid residue is found in multiple mammalian species, which suggests that this missense change does not adversely affect protein function. Experimental studies have shown that this missense change affects SAMHD1 function (PMID: 31797533). In summary, the available evidence is currently insufficient to determine the role of this variant in disease. Therefore, it has been classified as a Variant of Uncertain Significance.

Literature cited by the submitters: PubMed 31797533.